The following is an entry in ClinVar:

NM_012309.5(SHANK2):c.2397G>A (p.Gln799=)

Gene: SHANK2 (SH3 and multiple ankyrin repeat domains 2; minus strand). Cytogenetic location: 11q13.3.
Variant type: single nucleotide variant.
Coding change: c.2397G>A on transcript NM_012309.5 (MANE Select); coding-DNA position 2397, G replaced by A.
Protein change: p.Gln799=; no amino-acid change (glutamine 799 retained).
Molecular consequence: synonymous variant. On other transcripts: non-coding transcript variant (1).
Genome position (GRCh38, 1-based): chr11:70,492,377, C>T on the plus strand (G>A on the coding strand, the complement: SHANK2 is on the minus strand). VCF-style: chr11-70492377-C-T. GRCh37 (hg19) VCF-style: chr11-70338482-C-T.
Other names: c.1260G>A, p.Gln420= (NM_001379226.1); c.633G>A, p.Gln211= (NM_133266.5).
Identifiers: ClinVar variation 3036094 (VCV003036094.1), dbSNP rs2495590982, ClinGen allele CA475517629.

ClinVar aggregate classification (germline): Likely benign (1 of 4 stars; one submission).

Conditions:
SHANK2-related disorder.

Submission:

PreventionGenetics, part of Exact Sciences
Classification: Likely benign for SHANK2-related condition. Last evaluated: 2023-10-13. Review status: criteria provided, single submitter. Criteria: ACMG Guidelines, 2015. Collection method: clinical testing. Allele origin: germline.
Comment: This variant is classified as likely benign based on ACMG/AMP sequence variant interpretation guidelines (Richards et al. 2015 PMID: 25741868, with internal and published modifications).